The following is an entry in ClinVar:

ClinVar aggregate classification (germline): Uncertain significance (1 of 4 stars; one submission).

gnomAD v4.1: 1 of 1,188,730 alleles (0.000084%); highest among the groups gnomAD compares: East Asian, 0.003%; no homozygotes.

Submission:

Labcorp Genetics (formerly Invitae), Labcorp
Classification: Uncertain significance. Last evaluated: 2024-09-30. Review status: criteria provided, single submitter. Criteria: Invitae Variant Classification Sherloc (09022015). Collection method: clinical testing. Allele origin: germline.
Comment: This sequence change replaces glutamine, which is neutral and polar, with arginine, which is basic and polar, at codon 189 of the AMER1 protein (p.Gln189Arg). This variant is present in population databases (no rsID available, gnomAD 0.02%), including at least one homozygous and/or hemizygous individual. This variant has not been reported in the literature in individuals affected with AMER1-related conditions. An algorithm developed to predict the effect of missense changes on protein structure and function outputs the following: PolyPhen-2: "Benign". The arginine amino acid residue is found in multiple mammalian species, which suggests that this missense change does not adversely affect protein function. In summary, the available evidence is currently insufficient to determine the role of this variant in disease. Therefore, it has been classified as a Variant of Uncertain Significance.

NM_152424.4(AMER1):c.566A>G (p.Gln189Arg)

Gene: AMER1 (APC membrane recruitment protein 1; minus strand). Cytogenetic location: Xq11.2.
Variant type: single nucleotide variant.
Coding change: c.566A>G on transcript NM_152424.4 (MANE Select); coding-DNA position 566, A replaced by G.
Protein change: p.Gln189Arg; replaces glutamine 189 with arginine.
Molecular consequence: missense variant.
Genome position (GRCh38, 1-based): chrX:64,192,721, T>C on the plus strand (A>G on the coding strand, the complement: AMER1 is on the minus strand). VCF-style: chrX-64192721-T-C. GRCh37 (hg19) VCF-style: chrX-63412601-T-C.
Other names: short protein forms Q189R.
Identifiers: ClinVar variation 3678157 (VCV003678157.2).